The following is an entry in ClinVar:

NM_000038.6(APC):c.6428_6431del (p.Ser2143fs)

Gene: APC (APC regulator of Wnt signaling pathway; plus strand). Cytogenetic location: 5q22.2.
Variant type: Microsatellite.
Coding change: c.6428_6431del on transcript NM_000038.6 (MANE Select); coding-DNA positions 6428 to 6431, 4 bases deleted (CTCT; older notation c.6428_6431delCTCT).
Protein change: p.Ser2143fs; shifts the reading frame from serine 2143.
Molecular consequence: frameshift variant. On other transcripts: non-coding transcript variant (2).
Genome position (GRCh38, 1-based): chr5:112,842,022-112,842,025, CTCT deleted; deleting any 4 consecutive bases within chr5:112,842,019-112,842,025 gives the same sequence; the c. name uses the placement nearest the transcript's 3' end. VCF-style (leftmost placement, unchanged base first): chr5-112842018-ATCTC-A. GRCh37 (hg19) VCF-style: chr5-112177715-ATCTC-A.
Other names: c.6428_6431del, p.Ser2143fs (NM_001127510.3, NM_001354895.2, NM_001407450.1); c.6374_6377del, p.Ser2125fs (NM_001127511.3); c.6482_6485del, p.Ser2161fs (NM_001354896.2, NM_001407447.1, NM_001407448.1 and 1 more transcripts); c.6458_6461del, p.Ser2153fs (NM_001354897.2); c.6353_6356del, p.Ser2118fs (NM_001354898.2); c.6344_6347del, p.Ser2115fs (NM_001354899.2); c.6305_6308del, p.Ser2102fs (NM_001354900.2); c.6251_6254del, p.Ser2084fs (NM_001354901.2, NM_001407453.1); and 11 more; short protein forms S1759fs, S1860fs, S1983fs, S2014fs, S2017fs, S2042fs, S2052fs, S2060fs.
Identifiers: ClinVar variation 2583645 (VCV002583645.2), dbSNP rs2533713424, ClinGen allele CA2582341611.

ClinVar aggregate classification (germline): Pathogenic (1 of 4 stars; one submission).

Conditions:
Familial adenomatous polyposis 1 (FAP1). Also called: POLYPOSIS, ADENOMATOUS INTESTINAL; FAMILIAL ADENOMATOUS POLYPOSIS 1, ATTENUATED. Identifiers: MedGen C2713442, MONDO:0021056, OMIM 175100. Disease mechanism: loss of function.

Submission:

Myriad Genetics, Inc.
Classification: Pathogenic for Familial adenomatous polyposis 1. Last evaluated: 2023-05-15. Review status: criteria provided, single submitter. Criteria: Myriad Autosomal Dominant, Autosomal Recessive and X-Linked Classification Criteria (2023). Collection method: clinical testing. Allele origin: unknown.
Comment: This variant is considered pathogenic. This variant creates a frameshift predicted to result in premature protein truncation.